The following is an entry in ClinVar:

NM_004715.5(CTDP1):c.2384C>G (p.Ser795Cys)

Gene: CTDP1 (CTD phosphatase subunit 1; plus strand). Cytogenetic location: 18q23.
Variant type: single nucleotide variant.
Coding change: c.2384C>G on transcript NM_004715.5 (MANE Select); coding-DNA position 2384, C replaced by G.
Protein change: p.Ser795Cys; replaces serine 795 with cysteine.
Molecular consequence: missense variant.
Genome position (GRCh38, 1-based): chr18:79,717,983, C>G. VCF-style: chr18-79717983-C-G. GRCh37 (hg19) VCF-style: chr18-77477983-C-G.
Other names: c.2027C>G, p.Ser676Cys (NM_001202504.1); c.2384C>G, p.Ser795Cys (NM_001318511.2, NM_048368.4); short protein forms S676C, S795C.
Identifiers: ClinVar variation 1360784 (VCV001360784.3), dbSNP rs763053751, ClinGen allele CA9010572.
Genomic context (GRCh38, chr18:79,717,983, plus strand): 5'-ACTCCAACACGGGGAAGCTCATCAGGACGGGCGCCCGGGGGCCCCCAGCACCCTCCAGCT[C>G]CCTACCCATCCGCCAGGAGCCCTCTTCCTTCAGGTACGTGGCGGCCCAGCCACTGTCCCC-3'
Protein context (NP_004706.3, residues 785-805): GARGPPAPSS[Ser795Cys]LPIRQEPSSF

ClinVar aggregate classification (germline): Uncertain significance (1 of 4 stars; one submission).

Allele frequency attached by ClinVar (database versions not stated): gnomAD exomes 0.00001 and 0.00004; ExAC 0.00006.
gnomAD v4.1: 23 of 1,613,466 alleles (0.0014%); highest among the groups gnomAD compares: South Asian, 0.015%; no homozygotes.

Submission:

Labcorp Genetics (formerly Invitae), Labcorp
Classification: Uncertain significance. Last evaluated: 2021-10-11. Review status: criteria provided, single submitter. Criteria: Invitae Variant Classification Sherloc (09022015). Collection method: clinical testing. Allele origin: germline.
Comment: This sequence change replaces serine with cysteine at codon 795 of the CTDP1 protein (p.Ser795Cys). The serine residue is weakly conserved and there is a moderate physicochemical difference between serine and cysteine. This variant is present in population databases (rs763053751, ExAC 0.04%). This variant has not been reported in the literature in individuals affected with CTDP1-related conditions. Algorithms developed to predict the effect of missense changes on protein structure and function are either unavailable or do not agree on the potential impact of this missense change (SIFT: "Deleterious"; PolyPhen-2: "Possibly Damaging"; Align-GVGD: "Class C0"). In summary, the available evidence is currently insufficient to determine the role of this variant in disease. Therefore, it has been classified as a Variant of Uncertain Significance.